The following is an entry in ClinVar:

ClinVar aggregate classification (germline): Uncertain significance (1 of 4 stars; one submission).

Conditions:
Cardiomyopathy (CMYO). Also called: Cardiomyopathies. Identifiers: Orphanet 167848, MedGen C0878544, MONDO:0004994, HP:0001638. Inheritance: Various modes of inheritance.

Submission:

Color Diagnostics, LLC DBA Color Health
Classification: Uncertain significance for Cardiomyopathy. Last evaluated: 2019-10-02. Review status: criteria provided, single submitter. Criteria: ACMG Guidelines, 2015. Collection method: clinical testing. Allele origin: germline.
Comment: This missense variant replaces arginine with glycine at codon 1951 of the DSP protein. Computational prediction tool suggests that this variant may not impact protein structure and function (internally defined REVEL score threshold ≤0.5, PMID: 27666373). Splice site prediction tools suggest that this variant may not impact RNA splicing. To our knowledge, functional studies have not been performed for this variant. This variant has not been reported in individuals affected with cardiovascular disorders in the literature. This variant has not been identified in the general population by the Genome Aggregation Database (gnomAD). The available evidence is insufficient to determine the role of this variant in disease conclusively. Therefore, this variant is classified as a Variant of Uncertain Significance.

NM_004415.4(DSP):c.5851C>G (p.Arg1951Gly)

Gene: DSP (desmoplakin; plus strand). Cytogenetic location: 6p24.3.
Variant type: single nucleotide variant.
Coding change: c.5851C>G on transcript NM_004415.4 (MANE Select); coding-DNA position 5851, C replaced by G.
Protein change: p.Arg1951Gly; replaces arginine 1951 with glycine.
Molecular consequence: missense variant.
Genome position (GRCh38, 1-based): chr6:7,583,113, C>G. VCF-style: chr6-7583113-C-G. GRCh37 (hg19) VCF-style: chr6-7583346-C-G.
Other names: c.4054C>G, p.Arg1352Gly (NM_001008844.3); c.4522C>G, p.Arg1508Gly (NM_001319034.2); short protein forms R1352G, R1951G, R1508G.
Identifiers: ClinVar variation 920760 (VCV000920760.3), dbSNP rs869025395, ClinGen allele CA362689548.
Genomic context (GRCh38, chr6:7,583,113, plus strand): 5'-GAACGCTCCCGATATCAGAGGGAGATTGATAAACTCAGACAGCGCCCATATGGGTCCCAT[C>G]GAGAGACCCAGACTGAGTGTGAGTGGACCGTTGACACCTCCAAGCTGGTGTTTGATGGGC-3'
Protein context (NP_004406.2, residues 1941-1961): KLRQRPYGSH[Arg1951Gly]ETQTECEWTV